The following is an entry in ClinVar:

NM_014679.5(CEP57):c.833C>T (p.Ala278Val)

Gene: CEP57 (centrosomal protein 57; plus strand). Cytogenetic location: 11q21.
Variant type: single nucleotide variant.
Coding change: c.833C>T on transcript NM_014679.5 (MANE Select); coding-DNA position 833, C replaced by T.
Protein change: p.Ala278Val; replaces alanine 278 with valine.
Molecular consequence: missense variant. On other transcripts: intron variant (1).
Genome position (GRCh38, 1-based): chr11:95,822,524, C>T. VCF-style: chr11-95822524-C-T. GRCh37 (hg19) VCF-style: chr11-95555688-C-T.
Other names: c.806C>T, p.Ala269Val (NM_001243776.2); c.752C>T, p.Ala251Val (NM_001363604.2); c.807+546C>T (NM_001243777.2); short protein forms A269V, A278V, A251V.
Identifiers: ClinVar variation 839477 (VCV000839477.10), dbSNP rs1862559102, ClinGen allele CA382405656.

ClinVar aggregate classification (germline): Uncertain significance. Review status: criteria provided, multiple submitters, no conflicts (2 of 4 stars). 2 submissions from 2 submitters: Uncertain significance (2). Last evaluated 2025-01-22.

Conditions:
Mosaic variegated aneuploidy syndrome 2 (MVA2). Identifiers: Orphanet 1052, MedGen C3279843, MONDO:0013582, OMIM 614114.
Inborn genetic diseases. Identifiers: MedGen C0950123, MeSH D030342.

Submissions (2):

Ambry Genetics
Classification: Uncertain significance for Inborn genetic diseases. Last evaluated: 2025-01-22. Review status: criteria provided, single submitter. Criteria: Ambry Variant Classification Scheme 2023. Collection method: clinical testing. Allele origin: germline.
Comment: The p.A278V variant (also known as c.833C>T), located in coding exon 8 of the CEP57 gene, results from a C to T substitution at nucleotide position 833. The alanine at codon 278 is replaced by valine, an amino acid with similar properties. This amino acid position is conserved. In addition, this alteration is predicted to be tolerated by in silico analysis. Based on the available evidence, the clinical significance of this variant remains unclear.

Labcorp Genetics (formerly Invitae), Labcorp
Classification: Uncertain significance for Mosaic variegated aneuploidy syndrome 2. Last evaluated: 2019-11-26. Review status: criteria provided, single submitter. Criteria: Invitae Variant Classification Sherloc (09022015). Collection method: clinical testing. Allele origin: germline.
Comment: In summary, the available evidence is currently insufficient to determine the role of this variant in disease. Therefore, it has been classified as a Variant of Uncertain Significance. Algorithms developed to predict the effect of missense changes on protein structure and function output the following: SIFT: "Tolerated"; PolyPhen-2: "Benign"; Align-GVGD: "Class C0". The valine amino acid residue is found in multiple mammalian species, suggesting that this missense change does not adversely affect protein function. These predictions have not been confirmed by published functional studies and their clinical significance is uncertain. This variant has not been reported in the literature in individuals with CEP57-related conditions. This variant is not present in population databases (ExAC no frequency). This sequence change replaces alanine with valine at codon 278 of the CEP57 protein (p.Ala278Val). The alanine residue is weakly conserved and there is a small physicochemical difference between alanine and valine.